The following is an entry in ClinVar:

ClinVar aggregate classification (germline): Uncertain significance (1 of 4 stars; one submission).

gnomAD v4.1: 3 of 1,596,550 alleles (0.00019%); highest among the groups gnomAD compares: African/African-American, 0.0014%; no homozygotes.

Submission:

GeneDx
Classification: Uncertain significance. Last evaluated: 2026-03-07. Review status: criteria provided, single submitter. Criteria: GeneDx Variant Classification Process June 2021. Collection method: clinical testing. Allele origin: germline.
Comment: Not observed at significant frequency in large population cohorts (gnomAD); In silico analysis supports that this missense variant has a deleterious effect on protein structure/function; Has not been previously published as pathogenic or benign to our knowledge

NM_181552.4(CUX1):c.3489C>A (p.Asp1163Glu)

Gene: CUX1 (cut like homeobox 1; plus strand). Cytogenetic location: 7q22.1.
Variant type: single nucleotide variant.
Coding change: c.3489C>A on transcript NM_181552.4 (MANE Select); coding-DNA position 3489, C replaced by A.
Protein change: p.Asp1163Glu; replaces aspartic acid 1163 with glutamic acid.
Molecular consequence: missense variant. On other transcripts: intron variant (5).
Genome position (GRCh38, 1-based): chr7:102,234,107, C>A. VCF-style: chr7-102234107-C-A. GRCh37 (hg19) VCF-style: chr7-101877387-C-A.
Other names: c.3522C>A, p.Asp1174Glu (NM_001202543.2); c.1255+38504C>A (NM_001913.5); c.1249+38504C>A (NM_181500.4); c.1117+38504C>A (NM_001202545.3); c.1207+38504C>A (NM_001202544.3); c.1138+38504C>A (NM_001202546.3); short protein forms D1174E, D1163E.
Identifiers: ClinVar variation 5008803 (VCV005008803.1).